The following is an entry in ClinVar:

NM_000023.4(SGCA):c.329G>T (p.Arg110Leu)

Gene: SGCA (sarcoglycan alpha; plus strand). Cytogenetic location: 17q21.33.
Variant type: single nucleotide variant.
Coding change: c.329G>T on transcript NM_000023.4 (MANE Select); coding-DNA position 329, G replaced by T.
Protein change: p.Arg110Leu; replaces arginine 110 with leucine.
Molecular consequence: missense variant. On other transcripts: non-coding transcript variant (1).
Genome position (GRCh38, 1-based): chr17:50,167,963, G>T. VCF-style: chr17-50167963-G-T. GRCh37 (hg19) VCF-style: chr17-48245324-G-T.
Other names: c.329G>T, p.Arg110Leu (NM_001135697.3); short protein forms R110L.
Identifiers: ClinVar variation 2736615 (VCV002736615.3), dbSNP rs145697858, ClinGen allele CA400178403.

ClinVar aggregate classification (germline): Likely pathogenic (1 of 4 stars; one submission).

Conditions:
Autosomal recessive limb-girdle muscular dystrophy type 2D (LGMDR3). Also called: MUSCULAR DYSTROPHY, LIMB-GIRDLE, AUTOSOMAL RECESSIVE 3; DUCHENNE-LIKE AUTOSOMAL RECESSIVE MUSCULAR DYSTROPHY, TYPE 2; ADHALINOPATHY, PRIMARY. Identifiers: Orphanet 62, MedGen C2936332, MONDO:0011968, OMIM 608099. Disease mechanism: Affects gamma-sarcoglycan and also disrupts the integrity of the entire sarcoglycan complex..

Submission:

Labcorp Genetics (formerly Invitae), Labcorp
Classification: Likely pathogenic for Autosomal recessive limb-girdle muscular dystrophy type 2D. Last evaluated: 2023-06-15. Review status: criteria provided, single submitter. Criteria: Invitae Variant Classification Sherloc (09022015). Collection method: clinical testing. Allele origin: germline.
Comment: In summary, the currently available evidence indicates that the variant is pathogenic, but additional data are needed to prove that conclusively. Therefore, this variant has been classified as Likely Pathogenic. Advanced modeling of protein sequence and biophysical properties (such as structural, functional, and spatial information, amino acid conservation, physicochemical variation, residue mobility, and thermodynamic stability) performed at Invitae indicates that this missense variant is expected to disrupt SGCA protein function. This missense change has been observed in individual(s) with limb-girdle muscular dystrophy (PMID: 12566530). This variant is not present in population databases (gnomAD no frequency). This sequence change replaces arginine, which is basic and polar, with leucine, which is neutral and non-polar, at codon 110 of the SGCA protein (p.Arg110Leu).

Literature cited by the submitters: PubMed 12566530.